The following is an entry in ClinVar:

NM_001128148.3(TFRC):c.1981G>C (p.Gly661Arg)

Gene: TFRC (transferrin receptor; minus strand). Cytogenetic location: 3q29.
Variant type: single nucleotide variant.
Coding change: c.1981G>C on transcript NM_001128148.3 (MANE Select); coding-DNA position 1981, G replaced by C.
Protein change: p.Gly661Arg; replaces glycine 661 with arginine.
Molecular consequence: missense variant.
Genome position (GRCh38, 1-based): chr3:196,053,477, C>G on the plus strand (G>C on the coding strand, the complement: TFRC is on the minus strand). VCF-style: chr3-196053477-C-G. GRCh37 (hg19) VCF-style: chr3-195780348-C-G.
Other names: c.1738G>C, p.Gly580Arg (NM_001313965.2); c.1135G>C, p.Gly379Arg (NM_001313966.2); c.1981G>C, p.Gly661Arg (NM_003234.4); short protein forms G580R, G379R, G661R.
Identifiers: ClinVar variation 2113368 (VCV002113368.4), dbSNP rs745484177, ClinGen allele CA2777750.
Genomic context (GRCh38, chr3:196,053,477, plus strand): 5'-CTCTCATGACACGATCATTGAGTTTCTTCATGACAAATCTGTCTGTTTTCTCAGCATTCC[C>G]GAAATCTGTTGTTAGTCTGGAAGTAGCACGGAAGAAGTCTCCACGAGCAGAATACAGCCA-3'
Protein context (NP_001121620.1, residues 651-671): RATSRLTTDF[Gly661Arg]NAEKTDRFVM

ClinVar aggregate classification (germline): Uncertain significance (1 of 4 stars; one submission).

Submission:

Labcorp Genetics (formerly Invitae), Labcorp
Classification: Uncertain significance. Last evaluated: 2022-03-18. Review status: criteria provided, single submitter. Criteria: Invitae Variant Classification Sherloc (09022015). Collection method: clinical testing. Allele origin: germline.
Comment: This sequence change replaces glycine, which is neutral and non-polar, with arginine, which is basic and polar, at codon 661 of the TFRC protein (p.Gly661Arg). This variant is present in population databases (rs745484177, gnomAD 0.0009%). This variant has not been reported in the literature in individuals affected with TFRC-related conditions. Algorithms developed to predict the effect of missense changes on protein structure and function output the following: SIFT: "Tolerated"; PolyPhen-2: "Benign"; Align-GVGD: "Class C0". The arginine amino acid residue is found in multiple mammalian species, which suggests that this missense change does not adversely affect protein function. In summary, the available evidence is currently insufficient to determine the role of this variant in disease. Therefore, it has been classified as a Variant of Uncertain Significance.